The following is an entry in ClinVar:

NM_007347.5(AP4E1):c.1738A>G (p.Ile580Val)

Gene: AP4E1 (adaptor related protein complex 4 subunit epsilon 1; plus strand). Cytogenetic location: 15q21.2.
Variant type: single nucleotide variant.
Coding change: c.1738A>G on transcript NM_007347.5 (MANE Select); coding-DNA position 1738, A replaced by G.
Protein change: p.Ile580Val; replaces isoleucine 580 with valine.
Molecular consequence: missense variant.
Genome position (GRCh38, 1-based): chr15:50,958,681, A>G. VCF-style: chr15-50958681-A-G. GRCh37 (hg19) VCF-style: chr15-51250878-A-G.
Other names: c.1513A>G, p.Ile505Val (NM_001252127.2); c.1738A>G (NM_007347.3); short protein forms I505V, I580V.
Identifiers: ClinVar variation 3067395 (VCV003067395.22), dbSNP rs562913612, ClinGen allele CA270534797.

ClinVar aggregate classification (germline): Conflicting classifications of pathogenicity. Review status: criteria provided, conflicting classifications (1 of 4 stars). 2 submissions from 2 submitters: Uncertain significance (1); Likely benign (1). Last evaluated 2024-04-22.

Conditions:
Inborn genetic diseases. Identifiers: MedGen C0950123, MeSH D030342.

Allele frequency attached by ClinVar (database versions not stated): gnomAD 0.00001; gnomAD exomes 0.00001.
gnomAD v4.1: 9 of 1,614,032 alleles (0.00056%); highest among the groups gnomAD compares: Middle Eastern, 0.082%; no homozygotes.

Submissions (2):

Ambry Genetics
Classification: Likely benign for Inborn genetic diseases. Last evaluated: 2024-04-22. Review status: criteria provided, single submitter. Criteria: Ambry Variant Classification Scheme 2023. Collection method: clinical testing. Allele origin: germline.

CeGaT Center for Human Genetics Tuebingen
Classification: Uncertain significance. Last evaluated: 2024-03-01. Review status: criteria provided, single submitter. Criteria: CeGaT Center For Human Genetics Tuebingen Variant Classification Criteria Version 2. Collection method: clinical testing. Allele origin: germline. Affected: yes. Observed: 1 variant allele.
Comment: AP4E1: PM2, BP4